The following is an entry in ClinVar:

ClinVar aggregate classification (germline): Uncertain significance. Review status: criteria provided, multiple submitters, no conflicts (2 of 4 stars). 2 submissions from 2 submitters: Uncertain significance (2). Last evaluated 2025-02-04.

Conditions:
Cardiomyopathy (CMYO). Also called: Cardiomyopathies. Identifiers: Orphanet 167848, MedGen C0878544, MONDO:0004994, HP:0001638. Inheritance: Various modes of inheritance.

Submissions (2):

GeneDx
Classification: Uncertain significance. Last evaluated: 2025-02-04. Review status: criteria provided, single submitter. Criteria: GeneDx Variant Classification Process June 2021. Collection method: clinical testing. Allele origin: germline. Affected: yes.
Comment: Not observed at significant frequency in large population cohorts (gnomAD); In silico analysis indicates that this missense variant does not alter protein structure/function; Has not been previously published as pathogenic or benign to our knowledge

All of Us Research Program, National Institutes of Health
Classification: Uncertain significance for Cardiomyopathy. Last evaluated: 2024-05-30. Review status: criteria provided, single submitter. Criteria: ACMG Guidelines, 2015. Collection method: clinical testing. Allele origin: germline. Inheritance: Autosomal dominant inheritance. Observed: 1 variant allele, 1 heterozygote.
Comment: This missense variant replaces glutamine with lysine at codon 1746 of the MYH7 protein. Computational prediction suggests that this variant may not impact protein structure and function (internally defined REVEL score threshold <= 0.5, PMID: 27666373). To our knowledge, functional studies have not been reported for this variant. This variant has not been reported in individuals affected with MYH7-related disorders in the literature. This variant has not been identified in the general population by the Genome Aggregation Database (gnomAD). The available evidence is insufficient to determine the role of this variant in disease conclusively. Therefore, this variant is classified as a Variant of Uncertain Significance.

This study involves interpretation of variants in research participants for the purpose of population health screening. Participant phenotype was not available at the time of variant classification. Additional details can be found in publication PMID: 35346344, PMCID: PMC8962531

NM_000257.4(MYH7):c.5236C>A (p.Gln1746Lys)

Genes: MYH7 (myosin heavy chain 7; minus strand), LOC126861897 (BRD4-independent group 4 enhancer GRCh37_chr14:23884455-23885654; plus strand). Cytogenetic location: 14q11.2.
Variant type: single nucleotide variant.
Coding change: c.5236C>A on transcript NM_000257.4 (MANE Select); coding-DNA position 5236, C replaced by A.
Protein change: p.Gln1746Lys; replaces glutamine 1746 with lysine.
Molecular consequence: missense variant.
Genome position (GRCh38, 1-based): chr14:23,415,428, G>T on the plus strand (C>A on the coding strand, the complement: MYH7 is on the minus strand). VCF-style: chr14-23415428-G-T. GRCh37 (hg19) VCF-style: chr14-23884637-G-T.
Other names: c.5236C>A, p.Gln1746Lys (NM_001407004.1); short protein forms Q1746K.
Identifiers: ClinVar variation 3387284 (VCV003387284.2).